The following is an entry in ClinVar:

NM_002693.3(POLG):c.1899G>C (p.Lys633Asn)

Gene: POLG (DNA polymerase gamma, catalytic subunit; minus strand). Cytogenetic location: 15q26.1.
Variant type: single nucleotide variant.
Coding change: c.1899G>C on transcript NM_002693.3 (MANE Select); coding-DNA position 1899, G replaced by C.
Protein change: p.Lys633Asn; replaces lysine 633 with asparagine.
Molecular consequence: missense variant.
Genome position (GRCh38, 1-based): chr15:89,325,500, C>G on the plus strand (G>C on the coding strand, the complement: POLG is on the minus strand). VCF-style: chr15-89325500-C-G. GRCh37 (hg19) VCF-style: chr15-89868731-C-G.
Other names: c.1899G>C, p.Lys633Asn (NM_001126131.2); short protein forms K633N.
Identifiers: ClinVar variation 2094918 (VCV002094918.4), dbSNP rs761467007, ClinGen allele CA7724666.

ClinVar aggregate classification (germline): Uncertain significance (1 of 4 stars; one submission).

Conditions:
Progressive sclerosing poliodystrophy (MTDPS4A). Also called: Mitochondrial DNA Depletion Syndrome 4A; Alpers-Huttenlocher Syndrome (AHS); ALPERS PROGRESSIVE INFANTILE POLIODYSTROPHY; NEURONAL DEGENERATION OF CHILDHOOD WITH LIVER DISEASE, PROGRESSIVE; Mitochondrial DNA depletion syndrome 4A (Alpers type); Alpers Syndrome. Identifiers: Orphanet 726, MedGen C0205710, MONDO:0008758, OMIM 203700.

Allele frequency attached by ClinVar (database versions not stated): gnomAD 0.00001; TOPMed 0.00001; ExAC 0.00002.

Submission:

Labcorp Genetics (formerly Invitae), Labcorp
Classification: Uncertain significance for Progressive sclerosing poliodystrophy. Last evaluated: 2025-05-19. Review status: criteria provided, single submitter. Criteria: Invitae Variant Classification Sherloc (09022015). Collection method: clinical testing. Allele origin: germline.
Comment: This sequence change replaces lysine, which is basic and polar, with asparagine, which is neutral and polar, at codon 633 of the POLG protein (p.Lys633Asn). This variant is present in population databases (rs761467007, gnomAD 0.0009%). This variant has not been reported in the literature in individuals affected with POLG-related conditions. ClinVar contains an entry for this variant (Variation ID: 2094918). Invitae Evidence Modeling of protein sequence and biophysical properties (such as structural, functional, and spatial information, amino acid conservation, physicochemical variation, residue mobility, and thermodynamic stability) indicates that this missense variant is not expected to disrupt POLG protein function with a negative predictive value of 95%. In summary, the available evidence is currently insufficient to determine the role of this variant in disease. Therefore, it has been classified as a Variant of Uncertain Significance.